The following continues an entry in ClinVar:

NM_000441.2(SLC26A4):c.1001G>T (p.Gly334Val)

Gene: SLC26A4. ClinVar aggregate classification (germline): Pathogenic/Likely pathogenic. Pathogenic (13); Likely pathogenic (2).

Submissions 10 to 19 of 19:

Labcorp Genetics (formerly Invitae), Labcorp
Classification: Pathogenic. Last evaluated: 2024-01-22. Review status: criteria provided, single submitter. Criteria: Invitae Variant Classification Sherloc (09022015). Collection method: clinical testing. Allele origin: germline.
Comment: This sequence change replaces glycine, which is neutral and non-polar, with valine, which is neutral and non-polar, at codon 334 of the SLC26A4 protein (p.Gly334Val). RNA analysis indicates that this missense change induces altered splicing and may result in an absent or disrupted protein product. This variant is present in population databases (rs146281367, gnomAD 0.003%). This missense change has been observed in individual(s) with SLC26A4-related conditions (PMID: 16460646, 18813951, 28964290). It has also been observed to segregate with disease in related individuals. ClinVar contains an entry for this variant (Variation ID: 189039). An algorithm developed to predict the effect of missense changes on protein structure and function (PolyPhen-2) suggests that this variant is likely to be disruptive. Experimental studies have shown that this missense change affects SLC26A4 function (PMID: 22116360). Variants that disrupt the consensus splice site are a relatively common cause of aberrant splicing (PMID: 17576681, 9536098). Studies have shown that this missense change results in the inclusion of part of intron 8 and introduces a premature termination codon (PMID: 16460646). The resulting mRNA is expected to undergo nonsense-mediated decay. For these reasons, this variant has been classified as Pathogenic.

The Shared Resource Centre "Genome", Research Centre for Medical Genetics
Classification: Pathogenic for Autosomal recessive nonsyndromic hearing loss 4. Last evaluated: 2022-11-10. Review status: criteria provided, single submitter. Criteria: ACMG Guidelines, 2015. Collection method: clinical testing. Allele origin: germline. Affected: yes. Observed: 2 variant alleles.

Genome-Nilou Lab
Classification: Pathogenic for Pendred syndrome. Last evaluated: 2021-09-05. Review status: criteria provided, single submitter. Criteria: ACMG Guidelines, 2015. Collection method: clinical testing. Allele origin: germline. Affected: no.

Women's Health and Genetics/Laboratory Corporation of America, LabCorp
Classification: Pathogenic for Pendred syndrome. Last evaluated: 2021-04-09. Review status: criteria provided, single submitter. Criteria: LabCorp Variant Classification Summary - May 2015. Collection method: clinical testing. Allele origin: germline.
Comment: Variant summary: SLC26A4 c.1001G>T (p.Gly334Val) results in a non-conservative amino acid change located in the SLC26A/SulP transporter domain (IPR011547) of the encoded protein sequence. Five of five in-silico tools predict a damaging effect of the variant on protein function. Several computational tools predict a significant impact on normal splicing: Three predict the variant weakens a 5' donor site, with two of them also predicting that it creates a new cryptic exonic 5 donor site. Experimental evidence supports these predictions demonstrating the variant affects mRNA splicing leading to inclusion of intronic material and introduction of a premature stop codon (e.g. Walsh_2006, Wasano_2020). The variant allele was found at a frequency of 8e-06 in 250276 control chromosomes (gnomAD). c.1001G>T has been reported in the literature to segregate with disease in families with multiple homozygous individuals affected with Pendred Syndrome (e.g. Walsh_2006, Kahrizi_2009). These data indicate that the variant is very likely to be associated with disease. Experimental evidence evaluating an impact on protein function demonstrated the variant to impair ion transport activity (e.g. Dossena_2011, Wasano_2020). Two ClinVar submitters (evaluation after 2014) cite the variant as pathogenic/likely pathogenic. Based on the evidence outlined above, the variant was classified as pathogenic.

King Laboratory, University of Washington
Classification: Pathogenic for Autosomal recessive nonsyndromic hearing loss 4. Last evaluated: 2020-08-01. Review status: criteria provided, single submitter. Criteria: Abu Rayyan A et al. (Proc Natl Acad Sci U S A 2020). Collection method: research. Allele origin: germline. Affected: yes.
Comment: SLC26A4 c.1001G>T, p.G334V is a founder allele in the Palestinian population. Analysis of patient-derived RNA indicates that the variant disrupts the donor splice of SLC26A4 exon 8, with two mutant messages: (1) loss of exon 8 (83bp) with stop at codon 311. (2) activation of a cryptic splice donor with insertion of 40 bp in exon 8 message and stop at codon 355. (Abu Rayyan 2020). The variant is homozygous in 23 children from 10 Palestinian families with severe to profound pre-lingual hearing loss (Abu Rayyan 2020). It is absent from 1300 Palestinian controls and present in 51/250276 alleles on gnomAD, all heterozygotes.

Fulgent Genetics
Classification: Likely pathogenic for Pendred syndrome; Autosomal recessive nonsyndromic hearing loss 4. Last evaluated: 2018-10-31. Review status: criteria provided, single submitter. Criteria: ACMG Guidelines, 2015. Collection method: clinical testing. Allele origin: unknown.

National Institute of Sensory Organs, National Hospital Organization Tokyo Medical Center
Classification: Affects for Autosomal recessive nonsyndromic hearing loss 4. Last evaluated: 2019-08-20. Review status: no assertion criteria provided. Collection method: literature only, in vitro. Allele origin: germline. Inheritance: Autosomal recessive inheritance. Affected: yes. Functional consequence: loss_of_function_variant, sequence_variant_affecting_splicing. Not counted in ClinVar's aggregate classification.
Comment: in vitro experiment

Hereditary Research Laboratory, Bethlehem University
Classification: Pathogenic for Pendred syndrome. Last evaluated: 2016-06-04. Review status: no assertion criteria provided. Collection method: research. Allele origin: germline. Affected: yes. Not counted in ClinVar's aggregate classification.
Comment: Severe to Profound SNHL

Counsyl
Classification: Likely pathogenic for Pendred's syndrome. Last evaluated: 2014-10-28. Review status: no assertion criteria provided. Collection method: literature only. Allele origin: unknown. Inheritance: Autosomal recessive inheritance. Not counted in ClinVar's aggregate classification.

University of Washington Center for Mendelian Genomics, University of Washington
Classification: Likely pathogenic for non-syndromic autosomal recessive hearing loss. Review status: no assertion criteria provided. Collection method: research. Allele origin: inherited. Affected: yes. Not counted in ClinVar's aggregate classification.

Literature cited by the submitters: PubMed 18813951 (cited by 7 submitters); PubMed 23751281 (cited by 3billion); PubMed 16460646 (cited by 6 submitters); PubMed 28964290 (cited by 3 submitters); PubMed 22116360 (cited by 3 submitters); PubMed 17576681 (cited by Genetics Research Center, University of Social Welfare and Rehabilitation Sciences and Labcorp Genetics (formerly Invitae), Labcorp); PubMed 9536098 (cited by Genetics Research Center, University of Social Welfare and Rehabilitation Sciences and Labcorp Genetics (formerly Invitae), Labcorp); PubMed 31633822 (cited by Natera, Inc.); PubMed 24599119 (cited by Victorian Clinical Genetics Services, Murdoch Childrens Research Institute); PubMed 20301640 (cited by Victorian Clinical Genetics Services, Murdoch Childrens Research Institute); PubMed 22116358 (cited by Women's Health and Genetics/Laboratory Corporation of America, LabCorp); PubMed 31599023 (cited by Women's Health and Genetics/Laboratory Corporation of America, LabCorp and National Institute of Sensory Organs, National Hospital Organization Tokyo Medical Center); PubMed 27771369 (cited by National Institute of Sensory Organs, National Hospital Organization Tokyo Medical Center); PubMed 29372807 (cited by National Institute of Sensory Organs, National Hospital Organization Tokyo Medical Center); PubMed 24248179 (cited by Counsyl); PubMed 30303587 (cited by University of Washington Center for Mendelian Genomics, University of Washington).